The following is an entry in ClinVar:

ClinVar aggregate classification (germline): Benign. Review status: criteria provided, multiple submitters, no conflicts (2 of 4 stars). 4 submissions from 4 submitters: Benign (3). 1 of the submissions does not count toward it. Last evaluated 2025-02-26.

Conditions:
JAG2-related disorder. Also called: JAG2-related condition.

Allele frequency attached by ClinVar (database versions not stated): gnomAD exomes 0.00192; gnomAD 0.00768 and 0.00839; 1000 Genomes Project 30x 0.00734; ExAC 0.00217; 1000 Genomes Project 0.00719; TOPMed 0.00796; ESP Exome Variant Server 0.00835.
gnomAD v4.1: 2,368 of 1,606,130 alleles (0.15%); highest among the groups gnomAD compares: African/African-American, 2.8%; 25 homozygotes.

Submissions (4):

Mayo Clinic Laboratories, Mayo Clinic
Classification: Benign. Last evaluated: 2025-02-26. Review status: criteria provided, single submitter. Criteria: ACMG Guidelines, 2015. Collection method: clinical testing. Allele origin: germline. Observed: 2 variant alleles.
Comment: BS1, BS2, BP4, BP7

Labcorp Genetics (formerly Invitae), Labcorp
Classification: Benign. Last evaluated: 2018-06-10. Review status: criteria provided, single submitter. Criteria: Invitae Variant Classification Sherloc (09022015). Collection method: clinical testing. Allele origin: germline.

Breakthrough Genomics
Classification: Benign. Review status: criteria provided, single submitter. Criteria: ACMG Guidelines, 2015. Collection method: not provided. Allele origin: germline. Inheritance: Autosomal recessive inheritance. Affected: yes.

PreventionGenetics, part of Exact Sciences
Classification: Benign for JAG2-related condition. Last evaluated: 2019-02-21. Review status: no assertion criteria provided. Collection method: clinical testing. Allele origin: germline. Not counted in ClinVar's aggregate classification.
Comment: This variant is classified as benign based on ACMG/AMP sequence variant interpretation guidelines (Richards et al. 2015 PMID: 25741868, with internal and published modifications).

NM_002226.5(JAG2):c.3390G>A (p.Pro1130=)

Gene: JAG2 (jagged canonical Notch ligand 2; minus strand). Cytogenetic location: 14q32.33.
Variant type: single nucleotide variant.
Coding change: c.3390G>A on transcript NM_002226.5 (MANE Select); coding-DNA position 3390, G replaced by A.
Protein change: p.Pro1130=; no amino-acid change (proline 1130 retained).
Molecular consequence: synonymous variant.
Genome position (GRCh38, 1-based): chr14:105,143,022, C>T on the plus strand (G>A on the coding strand, the complement: JAG2 is on the minus strand). VCF-style: chr14-105143022-C-T. GRCh37 (hg19) VCF-style: chr14-105609359-C-T.
Other names: p.Pro1130=; c.3276G>A, p.Pro1092= (NM_145159.3).
Identifiers: ClinVar variation 779742 (VCV000779742.7), dbSNP rs35304114, ClinGen allele CA7385217.